The following is an entry in ClinVar:

ClinVar aggregate classification (germline): Uncertain significance. Review status: criteria provided, multiple submitters, no conflicts (2 of 4 stars). 2 submissions from 2 submitters: Uncertain significance (2). Last evaluated 2025-08-11.

Conditions:
TTC8-related disorder. Also called: TTC8-related condition.
Inborn genetic diseases. Identifiers: MedGen C0950123, MeSH D030342.

gnomAD v4.1: 2 of 1,613,788 alleles (0.00012%); highest among the groups gnomAD compares: Admixed American, 0.0017%; no homozygotes.

Submissions (2):

Ambry Genetics
Classification: Uncertain significance for Inborn genetic diseases. Last evaluated: 2025-08-11. Review status: criteria provided, single submitter. Criteria: Ambry Variant Classification Scheme 2023. Collection method: clinical testing. Allele origin: germline.

PreventionGenetics, part of Exact Sciences
Classification: Uncertain significance for TTC8-related condition. Last evaluated: 2025-02-24. Review status: criteria provided, single submitter. Criteria: ACMG Guidelines, 2015. Collection method: clinical testing. Allele origin: germline.
Comment: The TTC8 c.1502C>T variant is predicted to result in the amino acid substitution p.Thr501Ile. To our knowledge, this variant has not been reported in the literature. This variant is reported in 0.0029% of alleles in individuals of Latino descent in gnomAD. At this time, the clinical significance of this variant is uncertain due to the absence of conclusive functional and genetic evidence.

NM_144596.4(TTC8):c.1502C>T (p.Thr501Ile)

Gene: TTC8 (tetratricopeptide repeat domain 8; plus strand). Cytogenetic location: 14q31.3.
Variant type: single nucleotide variant.
Coding change: c.1502C>T on transcript NM_144596.4 (MANE Select); coding-DNA position 1502, C replaced by T.
Protein change: p.Thr501Ile; replaces threonine 501 with isoleucine.
Molecular consequence: missense variant. On other transcripts: non-coding transcript variant (1).
Genome position (GRCh38, 1-based): chr14:88,877,364, C>T. VCF-style: chr14-88877364-C-T. GRCh37 (hg19) VCF-style: chr14-89343708-C-T.
Other names: c.1502C>T (NM_144596.3); c.1550C>T, p.Thr517Ile (NM_001288781.1); c.908C>T, p.Thr303Ile (NM_001288782.1); c.785C>T, p.Thr262Ile (NM_001288783.1); c.1388C>T, p.Thr463Ile (NM_001366535.2); c.1298C>T, p.Thr433Ile (NM_001366536.2); c.1472C>T, p.Thr491Ile (NM_198309.3); c.1382C>T, p.Thr461Ile (NM_198310.3); short protein forms T433I, T461I, T463I, T491I, T501I, T517I, T262I, T303I.
Identifiers: ClinVar variation 4193332 (VCV004193332.2).